The following is an entry in ClinVar:

NM_001244710.2(GFPT1):c.902C>T (p.Ala301Val)

Gene: GFPT1 (glutamine--fructose-6-phosphate transaminase 1; minus strand). Cytogenetic location: 2p13.3.
Variant type: single nucleotide variant.
Coding change: c.902C>T on transcript NM_001244710.2 (MANE Select); coding-DNA position 902, C replaced by T.
Protein change: p.Ala301Val; replaces alanine 301 with valine.
Molecular consequence: missense variant.
Genome position (GRCh38, 1-based): chr2:69,348,278, G>A on the plus strand (C>T on the coding strand, the complement: GFPT1 is on the minus strand). VCF-style: chr2-69348278-G-A. GRCh37 (hg19) VCF-style: chr2-69575410-G-A.
Other names: c.848C>T, p.Ala283Val (NM_002056.4); short protein forms A283V, A301V.
Identifiers: ClinVar variation 643397 (VCV000643397.6), dbSNP rs372840289, ClinGen allele CA347128034.
Genomic context (GRCh38, chr2:69,348,278, plus strand): 5'-CCGGGGTGATCTCCTGCAGTTCGTTTAATTCGATGGATAGAAAGACGTCCATCCACTACT[G>A]CTGCAACATCATCATCTTCCAGAAAGATGACGCGATTGGTGTGTTCTATGACAGCACTAT-3'
Protein context (NP_001231639.1, residues 291-311): VIFLEDDDVA[Ala301Val]VVDGRLSIHR

ClinVar aggregate classification (germline): Uncertain significance (1 of 4 stars; one submission).

Conditions:
Congenital myasthenic syndrome 12 (CMS12). Also called: MYASTHENIC SYNDROME, CONGENITAL, WITH TUBULAR AGGREGATES 1; Myasthenia, congenital, 12, with tubular aggregates. Identifiers: Orphanet 353327, Orphanet 590, MedGen C3552335, MONDO:0012518, OMIM 610542.

gnomAD v4.1: 5 of 1,612,728 alleles (0.00031%); highest among the groups gnomAD compares: South Asian, 0.0044%; no homozygotes.

Submission:

Labcorp Genetics (formerly Invitae), Labcorp
Classification: Uncertain significance for Congenital myasthenic syndrome 12. Last evaluated: 2021-05-13. Review status: criteria provided, single submitter. Criteria: Invitae Variant Classification Sherloc (09022015). Collection method: clinical testing. Allele origin: germline.
Comment: In summary, the available evidence is currently insufficient to determine the role of this variant in disease. Therefore, it has been classified as a Variant of Uncertain Significance. Algorithms developed to predict the effect of missense changes on protein structure and function (SIFT, PolyPhen-2, Align-GVGD) all suggest that this variant is likely to be tolerated, but these predictions have not been confirmed by published functional studies and their clinical significance is uncertain. This variant has not been reported in the literature in individuals with GFPT1-related disease. This variant is not present in population databases (ExAC no frequency). This sequence change replaces alanine with valine at codon 283 of the GFPT1 protein (p.Ala283Val). The alanine residue is highly conserved and there is a small physicochemical difference between alanine and valine.